The following is an entry in ClinVar:

NM_002439.5(MSH3):c.884_888del (p.Arg295fs)

Gene: MSH3 (mutS homolog 3; plus strand). Cytogenetic location: 5q14.1.
Variant type: Deletion.
Coding change: c.884_888del on transcript NM_002439.5 (MANE Select); coding-DNA positions 884 to 888, 5 bases deleted (GCCGC; older notation c.884_888delGCCGC).
Protein change: p.Arg295fs; shifts the reading frame from arginine 295.
Molecular consequence: frameshift variant.
Genome position (GRCh38, 1-based): chr5:80,672,335-80,672,339, GCCGC deleted; deleting any 5 consecutive bases within chr5:80,672,334-80,672,339 gives the same sequence; the c. name uses the placement nearest the transcript's 3' end. VCF-style (leftmost placement, unchanged base first): chr5-80672333-ACGCCG-A. GRCh37 (hg19) VCF-style: chr5-79968152-ACGCCG-A.
Other names: short protein forms R295fs.
Identifiers: ClinVar variation 4824377 (VCV004824377.1).

ClinVar aggregate classification (germline): Pathogenic (1 of 4 stars; one submission).

Conditions:
Hereditary cancer-predisposing syndrome. Also called: Neoplastic Syndromes, Hereditary; Hereditary neoplastic syndrome; Tumor predisposition; Hereditary Cancer Syndrome. Identifiers: Orphanet 140162, MedGen C0027672, MeSH D009386, MONDO:0015356.

Submission:

Ambry Genetics
Classification: Pathogenic for Hereditary cancer-predisposing syndrome. Last evaluated: 2026-02-06. Review status: criteria provided, single submitter. Criteria: Ambry Variant Classification Scheme 2023. Collection method: clinical testing. Allele origin: germline.
Comment: The c.884_888delGCCGC pathogenic mutation, located in coding exon 5 of the MSH3 gene, results from a deletion of 5 nucleotides at nucleotide positions 884 to 888, causing a translational frameshift with a predicted alternate stop codon (p.R295Pfs*7). This variant is considered to be rare based on population cohorts in the Genome Aggregation Database (gnomAD). This alteration is expected to result in loss of function by premature protein truncation or nonsense-mediated mRNA decay. As such, this alteration is interpreted as a disease-causing mutation.